The following is an entry in ClinVar:

NM_020706.2(SCAF4):c.2264C>T (p.Pro755Leu)

Gene: SCAF4 (SR-related CTD associated factor 4; minus strand). Cytogenetic location: 21q22.11.
Variant type: single nucleotide variant.
Coding change: c.2264C>T on transcript NM_020706.2 (MANE Select); coding-DNA position 2264, C replaced by T.
Protein change: p.Pro755Leu; replaces proline 755 with leucine.
Molecular consequence: missense variant.
Genome position (GRCh38, 1-based): chr21:31,685,430, G>A on the plus strand (C>T on the coding strand, the complement: SCAF4 is on the minus strand). VCF-style: chr21-31685430-G-A. GRCh37 (hg19) VCF-style: chr21-33057743-G-A.
Other names: c.2219C>T, p.Pro740Leu (NM_001145444.1); c.2264C>T, p.Pro755Leu (NM_001145445.1); short protein forms P740L, P755L.
Identifiers: ClinVar variation 3573746 (VCV003573746.1).

ClinVar aggregate classification (germline): Uncertain significance (1 of 4 stars; one submission).

gnomAD v4.1: 1 of 1,613,392 alleles (0.000062%); highest among the groups gnomAD compares: African/African-American, 0.0013%; no homozygotes.

Submission:

GeneDx
Classification: Uncertain significance. Last evaluated: 2024-07-16. Review status: criteria provided, single submitter. Criteria: GeneDx Variant Classification Process June 2021. Collection method: clinical testing. Allele origin: germline. Affected: yes.
Comment: Not observed at significant frequency in large population cohorts (gnomAD); In silico analysis supports that this missense variant has a deleterious effect on protein structure/function; Has not been previously published as pathogenic or benign to our knowledge